The following is an entry in ClinVar:

NM_016011.5(MECR):c.534C>G (p.Phe178Leu)

Gene: MECR (mitochondrial trans-2-enoyl-CoA reductase; minus strand). Cytogenetic location: 1p35.3.
Variant type: single nucleotide variant.
Coding change: c.534C>G on transcript NM_016011.5 (MANE Select); coding-DNA position 534, C replaced by G.
Protein change: p.Phe178Leu; replaces phenylalanine 178 with leucine.
Molecular consequence: missense variant. On other transcripts: non-coding transcript variant (4).
Genome position (GRCh38, 1-based): chr1:29,206,778, G>C on the plus strand (C>G on the coding strand, the complement: MECR is on the minus strand). VCF-style: chr1-29206778-G-C. GRCh37 (hg19) VCF-style: chr1-29533290-G-C.
Other names: c.306C>G, p.Phe102Leu (NM_001024732.4, NM_001349711.2, NM_001349712.2 and 2 more transcripts); c.639C>G, p.Phe213Leu (NM_001349715.2); c.618C>G, p.Phe206Leu (NM_001349716.2); c.384C>G, p.Phe128Leu (NM_001349717.2); short protein forms F102L, F128L, F178L, F206L, F213L.
Identifiers: ClinVar variation 3251976 (VCV003251976.1), dbSNP rs757514440.

ClinVar aggregate classification (germline): Uncertain significance (1 of 4 stars; one submission).

Conditions:
Optic atrophy 16 (OPA16). Identifiers: MedGen C5882723, MONDO:0957978, OMIM 620629.
Dystonia, childhood-onset, with optic atrophy and basal ganglia abnormalities (DYTOABG). Also called: DYSTONIA 29, CHILDHOOD-ONSET; MECR-Related Neurologic Disorder. Identifiers: Orphanet 508093, MedGen C4310634, MONDO:0015003, OMIM 617282.

gnomAD v4.1: 1 of 1,614,068 alleles (0.000062%); highest among the groups gnomAD compares: Non-Finnish European, 0.000085%; no homozygotes.

Submission:

Diagnostics Services (NGS), CSIR - Centre For Cellular And Molecular Biology
Classification: Uncertain significance for Dystonia, childhood-onset, with optic atrophy and basal ganglia abnormalities; Optic atrophy 16. Last evaluated: 2024-05-31. Review status: criteria provided, single submitter. Criteria: ACMG Guidelines, 2015. Collection method: clinical testing. Allele origin: germline. Affected: yes. Observed: 1 variant allele, 1 homozygote.
Comment: The c.534C>G variant is not present in publicly available population databases like 1000 Genomes, ExAC, EVS, gnomAD, Indian Exome Database or our in-house exome database. This variant has neither been published in literature in individuals with MECR-related conditions nor reported to the clinical databases like Human Genome Mutation Database (HGMD), ClinVar or OMIM, in any affected individuals. In-silico pathogenicity prediction programs like SIFT, PolyPhen-2, MutationTaster2, CADD etc predicted the variant to be likely deleterious, however these predictions were not confirmed by published functional studies.